The following is an entry in ClinVar:

ClinVar aggregate classification (germline): Uncertain significance (1 of 4 stars; one submission).

Conditions:
Intellectual developmental disorder, autosomal dominant 55, with seizures. Also called: MENTAL RETARDATION, AUTOSOMAL DOMINANT 55, WITH SEIZURES; Intellectual disability, autosomal dominant 55, with seizures. Identifiers: MedGen C4693371, MONDO:0030921, OMIM 617831.

Submission:

MGZ Medical Genetics Center
Classification: Uncertain significance for Intellectual developmental disorder, autosomal dominant 55, with seizures. Last evaluated: 2022-05-27. Review status: criteria provided, single submitter. Criteria: ACMG Guidelines, 2015. Collection method: clinical testing. Allele origin: germline. Affected: yes. Observed: 1 variant allele.
Comment: ACMG criteria applied: PS2_MOD, PM4, PM2_SUP

NM_138459.5(NUS1):c.366GTG[1] (p.Trp123del)

Gene: NUS1 (NUS1 dehydrodolichyl diphosphate synthase subunit; plus strand). Cytogenetic location: 6q22.1.
Variant type: Microsatellite.
Coding change: c.366GTG[1] on transcript NM_138459.5 (MANE Select); one copy of the 3-base unit GTG starting at c.366; the reference has two copies in a row; one copy, 3 bases deleted; also written c.369_371del.
Protein change: p.Trp123del; deletes tryptophan 123.
Molecular consequence: inframe deletion.
Genome position (GRCh38, 1-based): chr6:117,676,039-117,676,041, GTG deleted; deleting any 3 consecutive bases within chr6:117,676,036-117,676,041 gives the same sequence; the position shown is the placement nearest the transcript's 3' end. VCF-style (leftmost placement, unchanged base first): chr6-117676035-TGTG-T. GRCh37 (hg19) VCF-style: chr6-117997198-TGTG-T.
Other names: c.369_371del (NM_138459.5); short protein forms W123del.
Identifiers: ClinVar variation 1709188 (VCV001709188.2), dbSNP rs2481983848, ClinGen allele CA2580617331.